The following is an entry in ClinVar:

ClinVar aggregate classification (germline): Uncertain significance (1 of 4 stars; one submission).

Allele frequency attached by ClinVar (database versions not stated): ExAC 0.00001; TOPMed 0.00002; gnomAD 0.00003; gnomAD exomes 0.00007.
gnomAD v4.1: 99 of 1,613,370 alleles (0.0061%); highest among the groups gnomAD compares: South Asian, 0.015%; no homozygotes.

Submission:

Labcorp Genetics (formerly Invitae), Labcorp
Classification: Uncertain significance. Last evaluated: 2025-07-16. Review status: criteria provided, single submitter. Criteria: Invitae Variant Classification Sherloc (09022015). Collection method: clinical testing. Allele origin: germline.
Comment: This sequence change replaces serine, which is neutral and polar, with leucine, which is neutral and non-polar, at codon 447 of the ROR2 protein (p.Ser447Leu). This variant is present in population databases (rs768704825, gnomAD 0.006%). This variant has not been reported in the literature in individuals affected with ROR2-related conditions. ClinVar contains an entry for this variant (Variation ID: 1984482). Invitae Evidence Modeling of protein sequence and biophysical properties (such as structural, functional, and spatial information, amino acid conservation, physicochemical variation, residue mobility, and thermodynamic stability) indicates that this missense variant is not expected to disrupt ROR2 protein function with a negative predictive value of 80%. In summary, the available evidence is currently insufficient to determine the role of this variant in disease. Therefore, it has been classified as a Variant of Uncertain Significance.

NM_004560.4(ROR2):c.1340C>T (p.Ser447Leu)

Gene: ROR2 (receptor tyrosine kinase like orphan receptor 2; minus strand). Cytogenetic location: 9q22.31.
Variant type: single nucleotide variant.
Coding change: c.1340C>T on transcript NM_004560.4 (MANE Select); coding-DNA position 1340, C replaced by T.
Protein change: p.Ser447Leu; replaces serine 447 with leucine.
Molecular consequence: missense variant. On other transcripts: 3 prime UTR variant (1).
Genome position (GRCh38, 1-based): chr9:91,726,587, G>A on the plus strand (C>T on the coding strand, the complement: ROR2 is on the minus strand). VCF-style: chr9-91726587-G-A. GRCh37 (hg19) VCF-style: chr9-94488869-G-A.
Other names: c.*7C>T (NM_001318204.2); short protein forms S447L.
Identifiers: ClinVar variation 1984482 (VCV001984482.4), dbSNP rs768704825, ClinGen allele CA5120721.